The following is an entry in ClinVar:

NM_139319.3(SLC17A8):c.235G>A (p.Ala79Thr)

Gene: SLC17A8 (solute carrier family 17 member 8; plus strand). Cytogenetic location: 12q23.1.
Variant type: single nucleotide variant.
Coding change: c.235G>A on transcript NM_139319.3 (MANE Select); coding-DNA position 235, G replaced by A.
Protein change: p.Ala79Thr; replaces alanine 79 with threonine.
Molecular consequence: missense variant.
Genome position (GRCh38, 1-based): chr12:100,380,834, G>A. VCF-style: chr12-100380834-G-A. GRCh37 (hg19) VCF-style: chr12-100774612-G-A.
Other names: c.235G>A, p.Ala79Thr (NM_001145288.2); short protein forms A79T.
Identifiers: ClinVar variation 2714177 (VCV002714177.3), dbSNP rs2500254092, ClinGen allele CA386213585.
Genomic context (GRCh38, chr12:100,380,834, plus strand): 5'-AGGCCAAGCCCCCCACTCTGCGACTGCCACTGCTGCGGCCTCCCCAAGCGTTACATCATT[G>A]CTATCATGAGTGGGCTGGGATTCTGCATTTCCTTTGGGATCCGGTGCAATCTTGGAGTTG-3'
Protein context (NP_647480.1, residues 69-89): CCGLPKRYII[Ala79Thr]IMSGLGFCIS

ClinVar aggregate classification (germline): Uncertain significance (1 of 4 stars; one submission).

Submission:

Labcorp Genetics (formerly Invitae), Labcorp
Classification: Uncertain significance. Last evaluated: 2024-01-29. Review status: criteria provided, single submitter. Criteria: Invitae Variant Classification Sherloc (09022015). Collection method: clinical testing. Allele origin: germline.
Comment: This sequence change replaces alanine, which is neutral and non-polar, with threonine, which is neutral and polar, at codon 79 of the SLC17A8 protein (p.Ala79Thr). This variant is not present in population databases (gnomAD no frequency). This variant has not been reported in the literature in individuals affected with SLC17A8-related conditions. Advanced modeling of protein sequence and biophysical properties (such as structural, functional, and spatial information, amino acid conservation, physicochemical variation, residue mobility, and thermodynamic stability) performed at Invitae indicates that this missense variant is not expected to disrupt SLC17A8 protein function with a negative predictive value of 80%. In summary, the available evidence is currently insufficient to determine the role of this variant in disease. Therefore, it has been classified as a Variant of Uncertain Significance.